The following is an entry in ClinVar:

ClinVar aggregate classification (germline): Uncertain significance (1 of 4 stars; one submission).

Allele frequency attached by ClinVar (database versions not stated): gnomAD exomes below 0.00001; TOPMed below 0.00001; ExAC 0.00001; gnomAD 0.00001.
gnomAD v4.1: 6 of 1,613,496 alleles (0.00037%); highest among the groups gnomAD compares: Admixed American, 0.0017%; no homozygotes.

Submission:

Labcorp Genetics (formerly Invitae), Labcorp
Classification: Uncertain significance. Last evaluated: 2024-03-04. Review status: criteria provided, single submitter. Criteria: Invitae Variant Classification Sherloc (09022015). Collection method: clinical testing. Allele origin: germline.
Comment: This sequence change replaces proline, which is neutral and non-polar, with serine, which is neutral and polar, at codon 159 of the AHDC1 protein (p.Pro159Ser). This variant is present in population databases (rs752693226, gnomAD 0.003%). This variant has not been reported in the literature in individuals affected with AHDC1-related conditions. ClinVar contains an entry for this variant (Variation ID: 1387687). An algorithm developed to predict the effect of missense changes on protein structure and function (PolyPhen-2) suggests that this variant is likely to be disruptive. In summary, the available evidence is currently insufficient to determine the role of this variant in disease. Therefore, it has been classified as a Variant of Uncertain Significance.

NM_001371928.1(AHDC1):c.475C>T (p.Pro159Ser)

Gene: AHDC1 (AT-hook DNA binding motif containing 1; minus strand). Cytogenetic location: 1p36.11.
Variant type: single nucleotide variant.
Coding change: c.475C>T on transcript NM_001371928.1 (MANE Select); coding-DNA position 475, C replaced by T.
Protein change: p.Pro159Ser; replaces proline 159 with serine.
Molecular consequence: missense variant.
Genome position (GRCh38, 1-based): chr1:27,551,641, G>A on the plus strand (C>T on the coding strand, the complement: AHDC1 is on the minus strand). VCF-style: chr1-27551641-G-A. GRCh37 (hg19) VCF-style: chr1-27878152-G-A.
Other names: c.475C>T, p.Pro159Ser (NM_001029882.3); short protein forms P159S.
Identifiers: ClinVar variation 1387687 (VCV001387687.6), dbSNP rs752693226, ClinGen allele CA716147.